The following is an entry in ClinVar:

NM_003737.4(DCHS1):c.9515A>T (p.Gln3172Leu)

Gene: DCHS1 (dachsous cadherin-related 1; minus strand). Cytogenetic location: 11p15.4.
Variant type: single nucleotide variant.
Coding change: c.9515A>T on transcript NM_003737.4 (MANE Select); coding-DNA position 9515, A replaced by T.
Protein change: p.Gln3172Leu; replaces glutamine 3172 with leucine.
Molecular consequence: missense variant.
Genome position (GRCh38, 1-based): chr11:6,622,161, T>A on the plus strand (A>T on the coding strand, the complement: DCHS1 is on the minus strand). VCF-style: chr11-6622161-T-A. GRCh37 (hg19) VCF-style: chr11-6643392-T-A.
Other names: c.9515A>T (NM_003737.2); short protein forms Q3172L.
Identifiers: ClinVar variation 2794444 (VCV002794444.4), dbSNP rs2493808117, ClinGen allele CA379478584.
Genomic context (GRCh38, chr11:6,622,161, plus strand): 5'-GGCCGAGCTTCATCCTTGAGCCGAGCGATCTCTGTGAAGACACTGGCCAGTGGTTGGAAC[T>A]GAGGGCACCAGCTCAGCAGGTAGTCCCAGTTATAGCTGCCACGGAGCTCCTCCTCGCCGG-3'
Protein context (NP_003728.1, residues 3162-3182): NWDYLLSWCP[Gln3172Leu]FQPLASVFTE

ClinVar aggregate classification (germline): Uncertain significance. Review status: criteria provided, multiple submitters, no conflicts (2 of 4 stars). 2 submissions from 2 submitters: Uncertain significance (2). Last evaluated 2023-11-13.

Conditions:
Inborn genetic diseases. Identifiers: MedGen C0950123, MeSH D030342.

Allele frequency attached by ClinVar (database versions not stated): gnomAD exomes below 0.00001.
gnomAD v4.1: 6 of 1,611,548 alleles (0.00037%); highest among the groups gnomAD compares: Non-Finnish European, 0.00042%; no homozygotes.

Submissions (2):

Ambry Genetics
Classification: Uncertain significance for Inborn genetic diseases. Last evaluated: 2023-11-13. Review status: criteria provided, single submitter. Criteria: Ambry Variant Classification Scheme 2023. Collection method: clinical testing. Allele origin: germline.

Labcorp Genetics (formerly Invitae), Labcorp
Classification: Uncertain significance. Last evaluated: 2023-03-08. Review status: criteria provided, single submitter. Criteria: Invitae Variant Classification Sherloc (09022015). Collection method: clinical testing. Allele origin: germline.
Comment: This sequence change replaces glutamine, which is neutral and polar, with leucine, which is neutral and non-polar, at codon 3172 of the DCHS1 protein (p.Gln3172Leu). This variant is not present in population databases (gnomAD no frequency). This variant has not been reported in the literature in individuals affected with DCHS1-related conditions. An algorithm developed to predict the effect of missense changes on protein structure and function (PolyPhen-2) suggests that this variant is likely to be disruptive. In summary, the available evidence is currently insufficient to determine the role of this variant in disease. Therefore, it has been classified as a Variant of Uncertain Significance.